The following is an entry in ClinVar:

ClinVar aggregate classification (germline): Uncertain significance (1 of 4 stars; one submission).

Submission:

Labcorp Genetics (formerly Invitae), Labcorp
Classification: Uncertain significance. Last evaluated: 2025-05-26. Review status: criteria provided, single submitter. Criteria: Invitae Variant Classification Sherloc (09022015). Collection method: clinical testing. Allele origin: germline.
Comment: This sequence change creates a premature translational stop signal (p.Val337Aspfs*3) in the DHX32 gene. It is expected to result in an absent or disrupted protein product. However, the current clinical and genetic evidence is not sufficient to establish whether loss-of-function variants in DHX32 cause disease. This variant is not present in population databases (gnomAD no frequency). This variant has not been reported in the literature in individuals affected with DHX32-related conditions. In summary, the available evidence is currently insufficient to determine the role of this variant in disease. Therefore, it has been classified as a Variant of Uncertain Significance.

NM_018180.3(DHX32):c.1010_1014del (p.Val337fs)

Gene: DHX32 (DEAH-box helicase 32 (putative); minus strand). Cytogenetic location: 10q26.2.
Variant type: Deletion.
Coding change: c.1010_1014del on transcript NM_018180.3 (MANE Select); coding-DNA positions 1010 to 1014, 5 bases deleted (TGTTA; older notation c.1010_1014delTGTTA).
Protein change: p.Val337fs; shifts the reading frame from valine 337.
Molecular consequence: frameshift variant.
Genome position (GRCh38, 1-based): chr10:125,854,039-125,854,043, TAACA deleted on the plus strand (TGTTA on the coding strand, the reverse complement: DHX32 is on the minus strand). VCF-style (leftmost placement, unchanged base first): chr10-125854038-TTAACA-T. GRCh37 (hg19) VCF-style: chr10-127542607-TTAACA-T.
Other names: short protein forms V337fs.
Identifiers: ClinVar variation 4719900 (VCV004719900.1).